The following is an entry in ClinVar:

ClinVar aggregate classification (germline): Benign/Likely benign. Review status: criteria provided, multiple submitters, no conflicts (2 of 4 stars). 4 submissions from 4 submitters: Benign (1); Likely benign (3). Last evaluated 2026-06-09.

Conditions:
Giant axonal neuropathy 1 (GAN1). Also called: GIANT AXONAL NEUROPATHY 1, AUTOSOMAL RECESSIVE; GAN-Related Neurodegeneration. Identifiers: Orphanet 643, MedGen C1850386, MONDO:0009749, OMIM 256850.

Allele frequency attached by ClinVar (database versions not stated): gnomAD 0.00011 and 0.00013; TOPMed 0.00011; ESP Exome Variant Server 0.00015; ExAC 0.00019; gnomAD exomes 0.00020 and 0.00025.
gnomAD v4.1: 366 of 1,564,824 alleles (0.023%); highest among the groups gnomAD compares: South Asian, 0.099%; 2 homozygotes.

Submissions (4):

Women's Health and Genetics/Laboratory Corporation of America, LabCorp
Classification: Likely benign. Last evaluated: 2026-06-09. Review status: criteria provided, single submitter. Criteria: LabCorp Variant Classification Summary - May 2015. Collection method: clinical testing. Allele origin: germline.

Labcorp Genetics (formerly Invitae), Labcorp
Classification: Benign for Giant axonal neuropathy 1. Last evaluated: 2025-12-31. Review status: criteria provided, single submitter. Criteria: Invitae Variant Classification Sherloc (09022015). Collection method: clinical testing. Allele origin: germline.

Blueprint Genetics
Classification: Likely benign. Last evaluated: 2024-10-08. Review status: criteria provided, single submitter. Criteria: ACMG Guidelines, 2015. Collection method: clinical testing. Allele origin: germline.

GeneDx
Classification: Likely benign. Last evaluated: 2017-01-10. Review status: criteria provided, single submitter. Criteria: GeneDx Variant Classification (06012015). Collection method: clinical testing. Allele origin: germline. Affected: yes.
Comment: This variant is considered likely benign or benign based on one or more of the following criteria: it is a conservative change, it occurs at a poorly conserved position in the protein, it is predicted to be benign by multiple in silico algorithms, and/or has population frequency not consistent with disease.

NM_022041.4(GAN):c.634-15T>C

Gene: GAN (gigaxonin; plus strand). Cytogenetic location: 16q23.2.
Variant type: single nucleotide variant.
Coding change: c.634-15T>C on transcript NM_022041.4 (MANE Select); 15 bases into the intron before coding-DNA position 634, T replaced by C.
Molecular consequence: intron variant.
Genome position (GRCh38, 1-based): chr16:81,356,770, T>C. VCF-style: chr16-81356770-T-C. GRCh37 (hg19) VCF-style: chr16-81390375-T-C.
Other names: c.-6-15T>C (NM_001377486.1).
Identifiers: ClinVar variation 383444 (VCV000383444.10), dbSNP rs367608270, ClinGen allele CA8191432.